The following is an entry in ClinVar:

ClinVar aggregate classification (germline): Conflicting classifications of pathogenicity. Review status: criteria provided, conflicting classifications (1 of 4 stars). 7 submissions from 7 submitters: Uncertain significance (1); Likely benign (6). Last evaluated 2025-11-12.

Conditions:
Cardiovascular phenotype. Identifiers: MedGen CN230736.
Arrhythmogenic right ventricular cardiomyopathy (ARVD). Also called: Arrhythmogenic cardiomyopathy; Arrhythmogenic Right Ventricular Cardiomyopathy (ARVC); Cardiomyopathy, ARVC; Arrhythmogenic right ventricular dysplasia. Identifiers: Orphanet 247, MedGen C0349788, MeSH D019571, MONDO:0016587. Disease mechanism: loss of function. Inheritance: Various modes of inheritance.
Cardiomyopathy (CMYO). Also called: Cardiomyopathies. Identifiers: Orphanet 167848, MedGen C0878544, MONDO:0004994, HP:0001638. Inheritance: Various modes of inheritance.
Arrhythmogenic right ventricular dysplasia 10. Also called: ARRHYTHMOGENIC RIGHT VENTRICULAR DYSPLASIA, FAMILIAL, 10; Arrhythmogenic Right Ventricular Dysplasia/Cardiomyopathy10; Arrhythmogenic right ventricular dysplasia/cardiomyopathy, type 10. Identifiers: MedGen C1857777, MONDO:0012434, OMIM 610193.

Allele frequency attached by ClinVar (database versions not stated): gnomAD 0.00001; TOPMed 0.00001; ExAC 0.00003; gnomAD exomes 0.00003; 1000 Genomes Project 30x 0.00016; 1000 Genomes Project 0.00020.
gnomAD v4.1: 46 of 1,614,090 alleles (0.0028%); highest among the groups gnomAD compares: East Asian, 0.087%; no homozygotes.

Submissions (7):

Labcorp Genetics (formerly Invitae), Labcorp
Classification: Likely benign for Arrhythmogenic right ventricular dysplasia 10. Last evaluated: 2025-11-12. Review status: criteria provided, single submitter. Criteria: Invitae Variant Classification Sherloc (09022015). Collection method: clinical testing. Allele origin: germline.

Molecular Diagnostic Laboratory for Inherited Cardiovascular Disease, Montreal Heart Institute
Classification: Likely benign. Last evaluated: 2025-04-09. Review status: criteria provided, single submitter. Criteria: ACMG Guidelines, 2015. Collection method: clinical testing. Allele origin: germline. Affected: no.

Ambry Genetics
Classification: Likely benign for Cardiovascular phenotype. Last evaluated: 2025-03-04. Review status: criteria provided, single submitter. Criteria: Ambry Variant Classification Scheme 2023. Collection method: clinical testing. Allele origin: germline.

All of Us Research Program, National Institutes of Health
Classification: Likely benign for Arrhythmogenic right ventricular cardiomyopathy. Last evaluated: 2023-12-18. Review status: criteria provided, single submitter. Criteria: ACMG Guidelines, 2015. Collection method: clinical testing. Allele origin: germline. Inheritance: Autosomal dominant inheritance. Observed: 3 variant alleles, 3 heterozygotes.
Comment: This study involves interpretation of variants in research participants for the purpose of population health screening. Participant phenotype was not available at the time of variant classification. Additional details can be found in publication PMID: 35346344, PMCID: PMC8962531

Color Diagnostics, LLC DBA Color Health
Classification: Likely benign for Cardiomyopathy. Last evaluated: 2018-11-25. Review status: criteria provided, single submitter. Criteria: ACMG Guidelines, 2015. Collection method: clinical testing. Allele origin: germline.

Illumina Laboratory Services, Illumina
Classification: Uncertain significance for Arrhythmogenic right ventricular dysplasia 10. Last evaluated: 2018-01-13. Review status: criteria provided, single submitter. Criteria: ICSL Variant Classification Criteria 13 December 2019. Collection method: clinical testing. Allele origin: germline.

GeneDx
Classification: Likely benign. Last evaluated: 2017-06-26. Review status: criteria provided, single submitter. Criteria: GeneDx Variant Classification (06012015). Collection method: clinical testing. Allele origin: germline. Affected: yes.
Comment: This variant is considered likely benign or benign based on one or more of the following criteria: it is a conservative change, it occurs at a poorly conserved position in the protein, it is predicted to be benign by multiple in silico algorithms, and/or has population frequency not consistent with disease.

NM_001943.5(DSG2):c.990C>T (p.Asn330=)

Gene: DSG2 (desmoglein 2; plus strand). Cytogenetic location: 18q12.1.
Variant type: single nucleotide variant.
Coding change: c.990C>T on transcript NM_001943.5 (MANE Select); coding-DNA position 990, C replaced by T.
Protein change: p.Asn330=; no amino-acid change (asparagine 330 retained).
Molecular consequence: synonymous variant.
Genome position (GRCh38, 1-based): chr18:31,524,864, C>T. VCF-style: chr18-31524864-C-T. GRCh37 (hg19) VCF-style: chr18-29104827-C-T.
Other names: c.990C>T (LRG_397t1).
Identifiers: ClinVar variation 326477 (VCV000326477.18), dbSNP rs140575919, ClinGen allele CA050619.
Genomic context (GRCh38, chr18:31,524,864, plus strand): 5'-TACATTTGCATCAGGAAATGAAGGAGGTTATTTCCACATAGAAACAGATGCTCAAACTAA[C>T]GAAGGAATTGTGACCCTTATTAAGGTAAGTACTAAGTATTCAAAACTGGCGTGGGCCAAG-3'
Protein context (NP_001934.2, residues 320-340): YFHIETDAQT[Asn330=]EGIVTLIKEV